The following is an entry in ClinVar:

NM_194248.3(OTOF):c.1732G>C (p.Val578Leu)

Gene: OTOF (otoferlin; minus strand). Cytogenetic location: 2p23.3.
Variant type: single nucleotide variant.
Coding change: c.1732G>C on transcript NM_194248.3 (MANE Select); coding-DNA position 1732, G replaced by C.
Protein change: p.Val578Leu; replaces valine 578 with leucine.
Molecular consequence: missense variant.
Genome position (GRCh38, 1-based): chr2:26,480,857, C>G on the plus strand (G>C on the coding strand, the complement: OTOF is on the minus strand). VCF-style: chr2-26480857-C-G. GRCh37 (hg19) VCF-style: chr2-26703725-C-G.
Other names: c.1732G>C, p.Val578Leu (NM_001287489.2); short protein forms V578L.
Identifiers: ClinVar variation 811032 (VCV000811032.21), dbSNP rs144907002, ClinGen allele CA1564189.

ClinVar aggregate classification (germline): Conflicting classifications of pathogenicity. Review status: criteria provided, conflicting classifications (1 of 4 stars). 7 submissions from 7 submitters: Uncertain significance (3); Likely benign (4). Last evaluated 2026-02-04.

Conditions:
OTOF-related disorder. Also called: OTOF-related condition.
Inborn genetic diseases. Identifiers: MedGen C0950123, MeSH D030342.
Autosomal recessive nonsyndromic hearing loss 9. Also called: Deafness, autosomal recessive 9; AUDITORY NEUROPATHY, AUTOSOMAL RECESSIVE, 1, TEMPERATURE-SENSITIVE; OTOF-Related Hearing Loss; NEUROSENSORY NONSYNDROMIC RECESSIVE DEAFNESS 9. Identifiers: Orphanet 90636, MedGen C1832828, MONDO:0010986, OMIM 601071.

Allele frequency attached by ClinVar (database versions not stated): gnomAD 0.00010; ESP Exome Variant Server 0.00015; ExAC 0.00018; TOPMed 0.00020; 1000 Genomes Project 0.00040; 1000 Genomes Project 30x 0.00047.
gnomAD v4.1: 372 of 1,612,784 alleles (0.023%); highest among the groups gnomAD compares: Middle Eastern, 0.2%; 2 homozygotes.

Submissions (7):

Labcorp Genetics (formerly Invitae), Labcorp
Classification: Likely benign. Last evaluated: 2026-02-04. Review status: criteria provided, single submitter. Criteria: Invitae Variant Classification Sherloc (09022015). Collection method: clinical testing. Allele origin: germline.

PreventionGenetics, part of Exact Sciences
Classification: Uncertain significance for OTOF-related condition. Last evaluated: 2026-02-03. Review status: criteria provided, single submitter. Criteria: ACMG Guidelines, 2015. Collection method: clinical testing. Allele origin: germline.
Comment: The OTOF c.1732G>C variant is predicted to result in the amino acid substitution p.Val578Leu. To our knowledge, this variant has not been reported in the literature. This variant is reported in 0.060% of alleles in individuals of European (Finnish) descent in gnomAD. Although we suspect that this variant may be benign, at this time, the clinical significance of this variant is uncertain due to the absence of conclusive functional and genetic evidence.

Blueprint Genetics
Classification: Likely benign. Last evaluated: 2024-09-12. Review status: criteria provided, single submitter. Criteria: ACMG Guidelines, 2015. Collection method: clinical testing. Allele origin: germline.

Ambry Genetics
Classification: Likely benign for Inborn genetic diseases. Last evaluated: 2022-01-03. Review status: criteria provided, single submitter. Criteria: Ambry Variant Classification Scheme 2023. Collection method: clinical testing. Allele origin: germline.

GeneDx
Classification: Likely benign. Last evaluated: 2020-12-07. Review status: criteria provided, single submitter. Criteria: GeneDx Variant Classification Process June 2021. Collection method: clinical testing. Allele origin: germline. Affected: yes.

ARUP Laboratories, Molecular Genetics and Genomics, ARUP Laboratories
Classification: Uncertain significance. Last evaluated: 2018-10-15. Review status: criteria provided, single submitter. Criteria: ARUP Molecular Germline Variant Investigation Process. Collection method: clinical testing. Allele origin: germline.
Comment: The OTOF c.1732G>C; p.Val578Leu variant (rs144907002), to our knowledge, is not reported in the medical literature or gene specific databases. This variant is found in the Finnish European population with an overall allele frequency of 0.05% (14/25760 alleles, including one homozygote) in the Genome Aggregation Database. The valine at codon 578 is weakly conserved, it occurs as a leucine in multiple vertebrate species, and computational analyses (SIFT, PolyPhen-2) predict that this variant is tolerated. However, due to limited information, the clinical significance of the p.Val578Leu variant is uncertain at this time.

Illumina Laboratory Services, Illumina
Classification: Uncertain significance for Autosomal recessive nonsyndromic hearing loss 9. Last evaluated: 2017-04-27. Review status: criteria provided, single submitter. Criteria: ICSL Variant Classification Criteria 13 December 2019. Collection method: clinical testing. Allele origin: germline.